The following is an entry in ClinVar:

ClinVar aggregate classification (germline): Uncertain significance. Review status: criteria provided, multiple submitters, no conflicts (2 of 4 stars). 3 submissions from 3 submitters: Uncertain significance (2). 1 of the submissions does not count toward it. Last evaluated 2024-05-10.

Conditions:
Inborn genetic diseases. Identifiers: MedGen C0950123, MeSH D030342.
NEFH-related disorder. Also called: NEFH-related condition.

Allele frequency attached by ClinVar (database versions not stated): gnomAD exomes below 0.00001; gnomAD 0.00001; TOPMed 0.00001.
gnomAD v4.1: 6 of 1,613,432 alleles (0.00037%); highest among the groups gnomAD compares: Non-Finnish European, 0.00051%; no homozygotes.

Submissions (3):

Labcorp Genetics (formerly Invitae), Labcorp
Classification: Uncertain significance. Last evaluated: 2024-05-10. Review status: criteria provided, single submitter. Criteria: Invitae Variant Classification Sherloc (09022015). Collection method: clinical testing. Allele origin: germline.
Comment: This sequence change replaces proline, which is neutral and non-polar, with leucine, which is neutral and non-polar, at codon 810 of the NEFH protein (p.Pro810Leu). This variant is present in population databases (no rsID available, gnomAD 0.002%). This variant has not been reported in the literature in individuals affected with NEFH-related conditions. ClinVar contains an entry for this variant (Variation ID: 1791121). Advanced modeling of protein sequence and biophysical properties (such as structural, functional, and spatial information, amino acid conservation, physicochemical variation, residue mobility, and thermodynamic stability) performed at Invitae indicates that this missense variant is not expected to disrupt NEFH protein function with a negative predictive value of 95%. In summary, the available evidence is currently insufficient to determine the role of this variant in disease. Therefore, it has been classified as a Variant of Uncertain Significance.

Ambry Genetics
Classification: Uncertain significance for Inborn genetic diseases. Last evaluated: 2022-08-02. Review status: criteria provided, single submitter. Criteria: Ambry Variant Classification Scheme 2023. Collection method: clinical testing. Allele origin: germline.

PreventionGenetics, part of Exact Sciences
Classification: Uncertain significance for NEFH-related condition. Last evaluated: 2024-05-22. Review status: no assertion criteria provided. Collection method: clinical testing. Allele origin: germline. Not counted in ClinVar's aggregate classification.
Comment: The NEFH c.2429C>T variant is predicted to result in the amino acid substitution p.Pro810Leu. To our knowledge, this variant has not been reported in the literature. This variant is reported in 0.0016% of alleles in individuals of European (Non-Finnish) descent in gnomAD. At this time, the clinical significance of this variant is uncertain due to the absence of conclusive functional and genetic evidence.

NM_021076.4(NEFH):c.2429C>T (p.Pro810Leu)

Gene: NEFH (neurofilament heavy chain; plus strand). Cytogenetic location: 22q12.2.
Variant type: single nucleotide variant.
Coding change: c.2429C>T on transcript NM_021076.4 (MANE Select); coding-DNA position 2429, C replaced by T.
Protein change: p.Pro810Leu; replaces proline 810 with leucine.
Molecular consequence: missense variant.
Genome position (GRCh38, 1-based): chr22:29,490,069, C>T. VCF-style: chr22-29490069-C-T. GRCh37 (hg19) VCF-style: chr22-29886058-C-T.
Other names: short protein forms P810L.
Identifiers: ClinVar variation 1791121 (VCV001791121.6), dbSNP rs920199926, ClinGen allele CA323088966.